The following is an entry in ClinVar:

NM_139278.4(LGI3):c.808C>T (p.Arg270Ter)

Gene: LGI3 (leucine rich repeat LGI family member 3; minus strand). Cytogenetic location: 8p21.3.
Variant type: single nucleotide variant.
Coding change: c.808C>T on transcript NM_139278.4 (MANE Select); coding-DNA position 808, C replaced by T.
Protein change: p.Arg270Ter; replaces arginine 270 with a stop codon.
Molecular consequence: nonsense.
Genome position (GRCh38, 1-based): chr8:22,151,510, G>A on the plus strand (C>T on the coding strand, the complement: LGI3 is on the minus strand). VCF-style: chr8-22151510-G-A. GRCh37 (hg19) VCF-style: chr8-22009023-G-A.
Other names: short protein forms R270*.
Identifiers: ClinVar variation 3033279 (VCV003033279.3), dbSNP rs778679674, ClinGen allele CA4663496.

ClinVar aggregate classification (germline): Uncertain significance. Review status: criteria provided, single submitter (1 of 4 stars). 2 submissions from 2 submitters: Uncertain significance (1). 1 of the submissions does not count toward it. Last evaluated 2025-11-12.

Conditions:
LGI3-related disorder. Also called: LGI3-related condition.

Allele frequency attached by ClinVar (database versions not stated): ExAC 0.00002; TOPMed 0.00002; gnomAD 0.00003.
gnomAD v4.1: 16 of 1,613,918 alleles (0.00099%); highest among the groups gnomAD compares: African/African-American, 0.0013%; no homozygotes.

Submissions (2):

Women's Health and Genetics/Laboratory Corporation of America, LabCorp
Classification: Uncertain significance. Last evaluated: 2025-11-12. Review status: criteria provided, single submitter. Criteria: LabCorp Variant Classification Summary - May 2015. Collection method: clinical testing. Allele origin: germline.
Comment: Variant summary: LGI3 c.808C>T (p.Arg270X) results in a premature termination codon, predicted to cause a truncation of the encoded protein and not expected to cause nonsense mediated decay (NMD). The variant allele was found at a frequency of 4e-06 in 251234 control chromosomes (gnomAD). The available data on variant occurrences in the general population are insufficient to allow any conclusion about variant significance. To our knowledge, no occurrence of c.808C>T in individuals affected with LGI3-related conditions and no experimental evidence demonstrating its impact on protein function have been reported. Truncations downstream of this position have not been classified as likely pathogenic/pathogenic by our laboratory. ClinVar contains an entry for this variant (Variation ID: 3033279). Based on the evidence outlined above, the variant was classified as uncertain significance.

PreventionGenetics, part of Exact Sciences
Classification: Likely pathogenic for LGI3-related condition. Last evaluated: 2023-12-16. Review status: no assertion criteria provided. Collection method: clinical testing. Allele origin: germline. Not counted in ClinVar's aggregate classification.
Comment: The LGI3 c.808C>T variant is predicted to result in premature protein termination (p.Arg270*). To our knowledge, this variant has not been reported in the literature. This variant is reported in 0.00088% of alleles in individuals of European (Non-Finnish) descent in gnomAD. Nonsense variants in LGI3 are expected to be pathogenic. This variant is interpreted as likely pathogenic.